The following is an entry in ClinVar:

ClinVar aggregate classification (germline): Uncertain significance (1 of 4 stars; one submission).

Conditions:
Hereditary sensory and autonomic neuropathy type 6. Also called: Neuropathy, hereditary sensory and autonomic, type VI; HSAN VI. Identifiers: Orphanet 314381, MedGen C3539003, MONDO:0013839, OMIM 614653.
Epidermolysis bullosa simplex 3, localized or generalized intermediate, with BP230 deficiency (EBS3). Also called: Epidermolysis bullosa simplex due to BP230 deficiency; Epidermolysis bullosa simplex, autosomal recessive 2. Identifiers: Orphanet 412181, MedGen C3809470, MONDO:0014180, OMIM 615425.

Submission:

Labcorp Genetics (formerly Invitae), Labcorp
Classification: Uncertain significance for Epidermolysis bullosa simplex 3, localized or generalized intermediate, with BP230 deficiency; Hereditary sensory and autonomic neuropathy type 6. Last evaluated: 2025-02-12. Review status: criteria provided, single submitter. Criteria: Invitae Variant Classification Sherloc (09022015). Collection method: clinical testing. Allele origin: germline.
Comment: This sequence change replaces aspartic acid, which is acidic and polar, with alanine, which is neutral and non-polar, at codon 2024 of the DST protein (p.Asp2024Ala). This variant is not present in population databases (gnomAD no frequency). This variant has not been reported in the literature in individuals affected with DST-related conditions. An algorithm developed to predict the effect of missense changes on protein structure and function (PolyPhen-2) suggests that this variant is likely to be tolerated. In summary, the available evidence is currently insufficient to determine the role of this variant in disease. Therefore, it has been classified as a Variant of Uncertain Significance.

NM_001723.7(DST):c.6071A>C (p.Asp2024Ala)

Gene: DST (dystonin; minus strand). Cytogenetic location: 6p12.1.
Variant type: single nucleotide variant.
Coding change: c.6071A>C on transcript NM_001723.7 (MANE Plus Clinical); coding-DNA position 6071, A replaced by C.
Protein change: p.Asp2024Ala; replaces aspartic acid 2024 with alanine.
Molecular consequence: missense variant. On other transcripts: intron variant (10).
Genome position (GRCh38, 1-based): chr6:56,617,396, T>G on the plus strand (A>C on the coding strand, the complement: DST is on the minus strand). VCF-style: chr6-56617396-T-G. GRCh37 (hg19) VCF-style: chr6-56482194-T-G.
Other names: c.4831-2912A>C (NM_001144769.5); c.4930-2912A>C (NM_001374722.1, NM_001374736.1); c.4957-2912A>C (NM_001374734.1); c.4417-2912A>C (NM_001144770.2); c.4297-2912A>C (NM_001374730.1, NM_001386100.1, NM_183380.4 and 1 more transcripts); c.3319-2912A>C (NM_015548.5); short protein forms D2024A.
Identifiers: ClinVar variation 4794060 (VCV004794060.1).
Genomic context (GRCh38, chr6:56,617,396, plus strand): 5'-TCTTCAGCACTGGGAACTGGGTTCTTTTCTTGTTTTAATGTTGTGACTTCTGTATGCATA[T>G]CATACTGCTTGTTCTTAGCTATCTGTAACAGGAATTTATAAAATGTTAAAAGTCACCTCA-3'
Protein context (NP_001714.1, residues 2014-2034): PLEIAKNKQY[Asp2024Ala]MHTEVTTLKQ